The following is an entry in ClinVar:

NM_004977.3(KCNC3):c.1984C>T (p.Arg662Cys)

Gene: KCNC3 (potassium voltage-gated channel subfamily C member 3; minus strand). Cytogenetic location: 19q13.33.
Variant type: single nucleotide variant.
Coding change: c.1984C>T on transcript NM_004977.3 (MANE Select); coding-DNA position 1984, C replaced by T.
Protein change: p.Arg662Cys; replaces arginine 662 with cysteine.
Molecular consequence: missense variant. On other transcripts: non-coding transcript variant (1).
Genome position (GRCh38, 1-based): chr19:50,320,779, G>A on the plus strand (C>T on the coding strand, the complement: KCNC3 is on the minus strand). VCF-style: chr19-50320779-G-A. GRCh37 (hg19) VCF-style: chr19-50824036-G-A.
Other names: c.1756C>T, p.Arg586Cys (NM_001372305.1); short protein forms R586C, R662C.
Identifiers: ClinVar variation 2053137 (VCV002053137.4), dbSNP rs748735877, ClinGen allele CA9594135.

ClinVar aggregate classification (germline): Uncertain significance (1 of 4 stars; one submission).

Allele frequency attached by ClinVar (database versions not stated): ExAC 0.00003; gnomAD 0.00003.
gnomAD v4.1: 32 of 1,613,640 alleles (0.002%); highest among the groups gnomAD compares: African/African-American, 0.0027%; no homozygotes.

Submission:

Labcorp Genetics (formerly Invitae), Labcorp
Classification: Uncertain significance. Last evaluated: 2025-07-27. Review status: criteria provided, single submitter. Criteria: Invitae Variant Classification Sherloc (09022015). Collection method: clinical testing. Allele origin: germline.
Comment: This sequence change replaces arginine, which is basic and polar, with cysteine, which is neutral and slightly polar, at codon 662 of the KCNC3 protein (p.Arg662Cys). This variant is present in population databases (rs748735877, gnomAD 0.01%). This variant has not been reported in the literature in individuals affected with KCNC3-related conditions. ClinVar contains an entry for this variant (Variation ID: 2053137). Invitae Evidence Modeling of protein sequence and biophysical properties (such as structural, functional, and spatial information, amino acid conservation, physicochemical variation, residue mobility, and thermodynamic stability) indicates that this missense variant is expected to disrupt KCNC3 protein function with a positive predictive value of 95%. In summary, the available evidence is currently insufficient to determine the role of this variant in disease. Therefore, it has been classified as a Variant of Uncertain Significance.